The following is an entry in ClinVar:

ClinVar aggregate classification (germline): Pathogenic. Review status: criteria provided, multiple submitters, no conflicts (2 of 4 stars). 4 submissions from 3 submitters: Pathogenic (2). 2 of the submissions do not count toward it. Last evaluated 2023-11-11.

Conditions:
Tuberous sclerosis 2 (TSC2). Identifiers: Orphanet 805, MedGen C1860707, MONDO:0013199, OMIM 613254.
Hereditary cancer-predisposing syndrome. Also called: Neoplastic Syndromes, Hereditary; Tumor predisposition; Hereditary Cancer Syndrome; Hereditary neoplastic syndrome. Identifiers: Orphanet 140162, MedGen C0027672, MeSH D009386, MONDO:0015356.
Tuberous sclerosis syndrome (TSC). Also called: Tuberous Sclerosis Complex; Tuberous sclerosis. Identifiers: Orphanet 805, MedGen C0041341, MONDO:0001734.

Submissions (4):

Labcorp Genetics (formerly Invitae), Labcorp
Classification: Pathogenic for Tuberous sclerosis 2. Last evaluated: 2023-11-11. Review status: criteria provided, single submitter. Criteria: Invitae Variant Classification Sherloc (09022015). Collection method: clinical testing. Allele origin: germline.
Comment: This sequence change creates a premature translational stop signal (p.Arg1474Serfs*49) in the TSC2 gene. It is expected to result in an absent or disrupted protein product. Loss-of-function variants in TSC2 are known to be pathogenic (PMID: 10205261, 17304050). This variant is not present in population databases (gnomAD no frequency). This premature translational stop signal has been observed in individual(s) with tuberous sclerosis complex (PMID: 10533067). ClinVar contains an entry for this variant (Variation ID: 49296). For these reasons, this variant has been classified as Pathogenic.

Ambry Genetics
Classification: Pathogenic for Hereditary cancer-predisposing syndrome. Last evaluated: 2016-07-12. Review status: criteria provided, single submitter. Criteria: Ambry Variant Classification Scheme 2023. Collection method: clinical testing. Allele origin: germline.
Comment: The c.4422_4423delAG pathogenic mutation, located in coding exon 33 of the TSC2 gene, results from a deletion of two nucleotides at nucleotide positions 4422 to 4423, causing a translational frameshift with a predicted alternate stop codon (p.R1474Sfs*49). This alteration has been has been reported in several individuals meeting clinical diagnostic criteria for tuberous sclerosis complex (TSC) and has been identified as both a de novo and an inherited mutation (Niida Y et al. Hum. Mutat., 1999;14:412-22; Dabora SL et al. Am. J. Hum. Genet., 2001 Jan;68:64-80; Lyczkowski DA et al. J. Child Neurol., 2007 Dec;22:1348-55; Chen CP et al. Taiwan J Obstet Gynecol, 2009 Sep;48:327-31). Of note, this alteration is designated as c.4420_4421delAG in published literature. In addition to the clinical data presented in the literature, this alteration is expected to result in loss of function by premature protein truncation or nonsense-mediated mRNA decay. As such, this alteration is interpreted as a disease-causing mutation.

Tuberous sclerosis database (TSC2)
No classification provided. Condition: TSC. Review status: no classification provided. Criteria: Tuberous Sclerosis Database Assertion Criteria 2015. Collection method: curation. Allele origin: germline. Affected: yes. Not counted in ClinVar's aggregate classification.

Tuberous sclerosis database (TSC2)
No classification provided. Condition: TSC. Review status: flagged submission. Criteria: Tuberous Sclerosis Database Assertion Criteria 2015. Collection method: curation. Allele origin: germline. Affected: yes. Not counted in ClinVar's aggregate classification.
ClinVar note: Reason: This record appears to be redundant with a more recent record from the same submitter.
ClinVar note: Notes: SCV000066349 appears to be redundant with SCV000067056.

Literature cited by the submitters: PubMed 10205261 (cited by Labcorp Genetics (formerly Invitae), Labcorp); PubMed 17304050 (cited by Labcorp Genetics (formerly Invitae), Labcorp); PubMed 10533067 (cited by Labcorp Genetics (formerly Invitae), Labcorp and Ambry Genetics); PubMed 11112665 (cited by Ambry Genetics); PubMed 18174550 (cited by Ambry Genetics); PubMed 19797035 (cited by Ambry Genetics).

NM_000548.5(TSC2):c.4422_4423del (p.Arg1474fs)

Gene: TSC2 (TSC complex subunit 2; plus strand). Cytogenetic location: 16p13.3.
Variant type: Microsatellite.
Coding change: c.4422_4423del on transcript NM_000548.5 (MANE Select); coding-DNA positions 4422 to 4423, 2 bases deleted (AG; older notation c.4422_4423delAG).
Protein change: p.Arg1474fs; shifts the reading frame from arginine 1474.
Molecular consequence: frameshift variant.
Genome position (GRCh38, 1-based): chr16:2,084,644-2,084,645, AG deleted; deleting any 2 consecutive bases within chr16:2,084,640-2,084,645 gives the same sequence; the c. name uses the placement nearest the transcript's 3' end. VCF-style (leftmost placement, unchanged base first): chr16-2084639-AAG-A. GRCh37 (hg19) VCF-style: chr16-2134640-AAG-A.
Other names: c.4422_4423delAG (NM_000548.3); c.4221_4222del, p.Arg1407fs (NM_001077183.3); c.4353_4354del, p.Arg1451fs (NM_001114382.3); c.4113_4114del, p.Arg1371fs (NM_001318827.2); c.4077_4078del, p.Arg1359fs (NM_001318829.2); c.3690_3691del, p.Arg1230fs (NM_001318831.2); c.4254_4255del, p.Arg1418fs (NM_001318832.2); c.4224_4225del, p.Arg1408fs (NM_001363528.2); and 2 more; short protein forms R1359fs, R1451fs, R1430fs, R1371fs, R1407fs, R1431fs, R1230fs, R1408fs.
Identifiers: ClinVar variation 49296 (VCV000049296.12), dbSNP rs137854307, ClinGen allele CA020431.